The following is an entry in ClinVar:

ClinVar aggregate classification (germline): Uncertain significance (1 of 4 stars; one submission).

Conditions:
Neurodevelopmental disorder with dystonia and seizures (NEDDS). Identifiers: MedGen C5677004, MONDO:0859258, OMIM 619922.

gnomAD v4.1: 38 of 1,613,896 alleles (0.0024%); highest among the groups gnomAD compares: Admixed American, 0.015%; no homozygotes.

Submission:

Mendelics
Classification: Uncertain significance for Neurodevelopmental disorder with dystonia and seizures. Last evaluated: 2026-03-05. Review status: criteria provided, single submitter. Criteria: ACMG Guidelines, 2015. Collection method: clinical testing. Allele origin: unknown.
Comment: The available evidence is insufficient to conclusively determine the role of this variant. Therefore, it is classified as a Variant of Uncertain Significance.

NM_018130.3(SHQ1):c.1003C>T (p.Arg335Cys)

Gene: SHQ1 (SHQ1, H/ACA ribonucleoprotein assembly factor; minus strand). Cytogenetic location: 3p13.
Variant type: single nucleotide variant.
Coding change: c.1003C>T on transcript NM_018130.3 (MANE Select); coding-DNA position 1003, C replaced by T.
Protein change: p.Arg335Cys; replaces arginine 335 with cysteine.
Molecular consequence: missense variant.
Genome position (GRCh38, 1-based): chr3:72,812,728, G>A on the plus strand (C>T on the coding strand, the complement: SHQ1 is on the minus strand). VCF-style: chr3-72812728-G-A. GRCh37 (hg19) VCF-style: chr3-72861879-G-A.
Other names: short protein forms R335C.
Identifiers: ClinVar variation 4813564 (VCV004813564.1).